The following is an entry in ClinVar:

ClinVar aggregate classification (germline): Conflicting classifications of pathogenicity. Review status: criteria provided, conflicting classifications (1 of 4 stars). 5 submissions from 5 submitters: Pathogenic (2); Likely pathogenic (1); Uncertain significance (2). Last evaluated 2025-10-27.

Conditions:
DNAAF1-related disorders.
DNAAF1-related disorder. Also called: DNAAF1-related condition.
Primary ciliary dyskinesia. Also called: Ciliary dyskinesia. Identifiers: Orphanet 244, MedGen C0008780, MONDO:0016575, HP:0012265.
Primary ciliary dyskinesia 13. Also called: CILIARY DYSKINESIA, PRIMARY, 13, WITH OR WITHOUT SITUS INVERSUS. Identifiers: Orphanet 244, MedGen C2750790, MONDO:0013174, OMIM 613193.

Allele frequency attached by ClinVar (database versions not stated): TOPMed 0.00001; gnomAD exomes 0.00002 and 0.00005; ExAC 0.00003.
gnomAD v4.1: 13 of 1,614,154 alleles (0.00081%); highest among the groups gnomAD compares: Admixed American, 0.022%; no homozygotes.

Submissions (6):

PreventionGenetics, part of Exact Sciences
Classification: Uncertain significance for DNAAF1-related disorder. Last evaluated: 2025-10-27. Review status: criteria provided, single submitter. Criteria: ACMG Guidelines, 2015. Collection method: clinical testing. Allele origin: germline. Inheritance: Autosomal recessive inheritance.
Comment: The DNAAF1 c.1645-2A>C variant is predicted to disrupt the AG splice acceptor site and lead to an in-frame deletion of exon 10. To our knowledge, this variant has not been reported in the literature. It has been observed with a second DNAAF1 variant in an individual with primary ciliary dyskinesia who was tested at another CLIA-certified laboratory (external communication; ClinVar Variation ID: 455001) This variant is reported in 0.035% of alleles in individuals of Latino descent in gnomAD. Although we suspect that this variant may be pathogenic, at this time, the clinical significance of this variant is uncertain due to the absence of conclusive functional and genetic evidence.

Labcorp Genetics (formerly Invitae), Labcorp
Classification: Pathogenic for Primary ciliary dyskinesia. Last evaluated: 2024-12-20. Review status: criteria provided, single submitter. Criteria: Invitae Variant Classification Sherloc (09022015). Collection method: clinical testing. Allele origin: germline.
Comment: This sequence change affects an acceptor splice site in intron 9 of the DNAAF1 gene. It is expected to disrupt RNA splicing. Variants that disrupt the donor or acceptor splice site typically lead to a loss of protein function (PMID: 16199547), and loss-of-function variants in DNAAF1 are known to be pathogenic (PMID: 19944400, 19944405). This variant is present in population databases (rs764066045, gnomAD 0.03%). Disruption of this splice site has been observed in individual(s) with primary ciliary dyskinesia (internal data). ClinVar contains an entry for this variant (Variation ID: 455001). Algorithms developed to predict the effect of sequence changes on RNA splicing suggest that this variant may disrupt the consensus splice site. For these reasons, this variant has been classified as Pathogenic.

Ambry Genetics
Classification: Uncertain significance for Primary ciliary dyskinesia. Last evaluated: 2024-08-06. Review status: criteria provided, single submitter. Criteria: Ambry Variant Classification Scheme 2023. Collection method: clinical testing. Allele origin: germline.
Comment: The c.1645-2A>C intronic variant results from an A to C substitution two nucleotides upstream from coding exon 10 in the DNAAF1 gene. Alterations that disrupt the canonical splice site are expected to result in aberrant splicing. In silico splice site analysis predicts that this alteration will weaken the native splice acceptor site. The resulting transcript is predicted to be in-frame and is not expected to trigger nonsense-mediated mRNAdecay; however, direct evidence is unavailable. The exact functional effect of the altered amino acid sequence is unknown. This nucleotide position is highly conserved in available vertebrate species. Based on the available evidence, the clinical significance of this variant remains unclear.

Blueprint Genetics
Classification: Likely pathogenic for DNAAF1-related disorders. Last evaluated: 2024-01-29. Review status: criteria provided, single submitter. Criteria: ACMG Guidelines, 2015. Collection method: clinical testing. Allele origin: germline. Affected: yes. Observed: 2 variant alleles.

Department of Pathology and Laboratory Medicine, Sinai Health System
Classification: Pathogenic for Primary ciliary dyskinesia 13. Last evaluated: 2021-12-27. Review status: criteria provided, single submitter. Criteria: ACMG Guidelines, 2015. Collection method: research. Allele origin: germline.

Dr. Peter K. Rogan Lab, Western University
No classification provided (evidence only). Condition: Clear cell carcinoma of kidney. Review status: no classification provided. Collection method: in vitro. Allele origin: not applicable. Functional consequence: retained intron. Not counted in ClinVar's aggregate classification.

Literature cited by the submitters: PubMed 16199547 (cited by Labcorp Genetics (formerly Invitae), Labcorp); PubMed 19944400 (cited by Labcorp Genetics (formerly Invitae), Labcorp); PubMed 19944405 (cited by Labcorp Genetics (formerly Invitae), Labcorp).

NM_178452.6(DNAAF1):c.1645-2A>C

Gene: DNAAF1 (dynein axonemal assembly factor 1; plus strand). Cytogenetic location: 16q24.1.
Variant type: single nucleotide variant.
Coding change: c.1645-2A>C on transcript NM_178452.6 (MANE Select); the canonical splice acceptor site of the intron before coding-DNA position 1645, A replaced by C.
Molecular consequence: splice acceptor variant.
Genome position (GRCh38, 1-based): chr16:84,174,667, A>C. VCF-style: chr16-84174667-A-C. GRCh37 (hg19) VCF-style: chr16-84208273-A-C.
Other names: c.937-2A>C (NM_001318756.1).
Identifiers: ClinVar variation 455001 (VCV000455001.15), dbSNP rs764066045, ClinGen allele CA8202974.
Genomic context (GRCh38, chr16:84,174,667, plus strand): 5'-CTATCAGAACGTTGACAGTGCGTGTACCTCCCTGGTGATGTGCGGCTCACTTGCTCTTTC[A>C]GGACCTACCTGACTTGGAAGATGATGATGAAACAGGCAAATCTCTGGAAGACCAGGTTAA-3'